The following is an entry in ClinVar:

ClinVar aggregate classification (germline): Uncertain significance (3 of 4 stars; one submission).

Conditions:
Malignant hyperthermia, susceptibility to, 1 (MHS1). Also called: RYR1-Related Malignant Hyperthermia Susceptibility; Anesthesia related hyperthermia; Malignant hyperpyrexia; Fulminating hyperpyrexia; Pharmacogenic myopathy; Malignant hyperthermia suceptibility 1. Identifiers: Orphanet 423, MedGen C2930980, MONDO:0007783, OMIM 145600.

Submission:

ClinGen Malignant Hyperthermia Susceptibility Variant Curation Expert Panel, ClinGen
Classification: Uncertain significance for Malignant hyperthermia, susceptibility to, 1. Last evaluated: 2025-08-01. Review status: reviewed by expert panel. Criteria: ClinGen MHS ACMG Specifications V2. Collection method: curation. Allele origin: germline. Inheritance: Autosomal dominant inheritance.
Comment: This pathogenicity assessment is relevant only for malignant hyperthermia susceptibility (MHS) inherited in an autosomal dominant pattern. Variants in RYR1 can also cause other myopathies inherited in an autosomal dominant pattern or in an autosomal recessive pattern. Some of these disorders may predispose individuals to malignant hyperthermia. RYR1 variants may also contribute to a malignant hyperthermia reaction in combination with other genetic and non-genetic factors and the clinician needs to consider such factors in making management decisions. This sequence variant predicts a substitution of isoleucine with phenylalanine at codon 3413 of the RYR1 protein, p.(Ile3413Phe). This variant was not present in a large population database (gnomAD) at the time this variant was interpreted. This variant has been reported in an individual with a personal or family history of an MH episode and a positive in vitro contracture test (IVCT) or caffeine halothane contracture test (CHCT) result (if the proband was unavailable for testing, a positive diagnostic test result in a mutation-positive relative was counted), PS4_Supporting (PMID:25735680). No functional studies were identified for this variant. This variant does not reside in a hotspot for pathogenic variants that contribute to MHS. A REVEL score >0.85 (0.914) supports a pathogenic status for this variant, PP3_Moderate. This variant has been classified as a Variant of Unknown Significance. Criteria implemented: PS4_Supporting, PP3_Moderate.

NM_000540.3(RYR1):c.10237A>T (p.Ile3413Phe)

Gene: RYR1 (ryanodine receptor 1; plus strand). Cytogenetic location: 19q13.2.
Variant type: single nucleotide variant.
Coding change: c.10237A>T on transcript NM_000540.3 (MANE Select); coding-DNA position 10237, A replaced by T.
Protein change: p.Ile3413Phe; replaces isoleucine 3413 with phenylalanine.
Molecular consequence: missense variant.
Genome position (GRCh38, 1-based): chr19:38,519,432, A>T. VCF-style: chr19-38519432-A-T. GRCh37 (hg19) VCF-style: chr19-39010072-A-T.
Other names: c.10237A>T, p.Ile3413Phe (NM_001042723.2); short protein forms I3413F.
Identifiers: ClinVar variation 1210312 (VCV001210312.3), dbSNP rs2145689573, ClinGen allele CA405696652.